The following is an entry in ClinVar:

ClinVar aggregate classification (germline): Likely benign (1 of 4 stars; one submission).

Conditions:
SEMA3B-related disorder. Also called: SEMA3B-related condition.

Submission:

PreventionGenetics, part of Exact Sciences
Classification: Likely benign for SEMA3B-related condition. Last evaluated: 2025-08-19. Review status: criteria provided, single submitter. Criteria: ACMG Guidelines, 2015. Collection method: clinical testing. Allele origin: germline.
Comment: This variant is classified as likely benign based on ACMG/AMP sequence variant interpretation guidelines (Richards et al. 2015 PMID: 25741868, with internal and published modifications).

NM_001290060.2(SEMA3B):c.885G>A (p.Val295=)

Gene: SEMA3B (semaphorin 3B; plus strand). Cytogenetic location: 3p21.31.
Variant type: single nucleotide variant.
Coding change: c.885G>A on transcript NM_001290060.2 (MANE Select); coding-DNA position 885, G replaced by A.
Protein change: p.Val295=; no amino-acid change (valine 295 retained).
Molecular consequence: synonymous variant. On other transcripts: 5 prime UTR variant (2), non-coding transcript variant (1).
Genome position (GRCh38, 1-based): chr3:50,273,609, G>A. VCF-style: chr3-50273609-G-A. GRCh37 (hg19) VCF-style: chr3-50311040-G-A.
Other names: c.885G>A, p.Val295= (NM_001005914.3, NM_001290061.1, NM_001435956.1 and 3 more transcripts); c.-142G>A (NM_001290062.2); c.-145G>A (NM_001290063.2).
Identifiers: ClinVar variation 4980116 (VCV004980116.1).